The following is an entry in ClinVar:

ClinVar aggregate classification (germline): Uncertain significance (1 of 4 stars; one submission).

Allele frequency attached by ClinVar (database versions not stated): TOPMed below 0.00001.
gnomAD v4.1: 1 of 1,614,238 alleles (0.000062%); highest among the groups gnomAD compares: African/African-American, 0.0013%; no homozygotes.

Submission:

Women's Health and Genetics/Laboratory Corporation of America, LabCorp
Classification: Uncertain significance. Last evaluated: 2021-12-03. Review status: criteria provided, single submitter. Criteria: LabCorp Variant Classification Summary - May 2015. Collection method: clinical testing. Allele origin: germline.
Comment: Variant summary: GBA c.1275C>A (p.Asn425Lys) results in a non-conservative amino acid change located in the Glycosyl hydrolase family 30, TIM-barrel domain (IPR033453) of the encoded protein sequence. Five of five in-silico tools predict a damaging effect of the variant on protein function. The variant was absent in 251460 control chromosomes (gnomAD). The available data on variant occurrences in the general population are insufficient to allow any conclusion about variant significance. c.1275C>A has been reported in the literature in an individual affected with early-onset Parkinson's disease (Pulkes_2014) and an individual affected with Gaucher Disease (Kim_2020). These data do not allow any conclusion about variant significance. To our knowledge, no experimental evidence demonstrating an impact on protein function has been reported. No clinical diagnostic laboratories have submitted clinical-significance assessments for this variant to ClinVar after 2014. Based on the evidence outlined above, the variant was classified as uncertain significance.

Literature cited by the submitters: PubMed 33176831; PubMed 24997549.

NM_000157.4(GBA1):c.1275C>A (p.Asn425Lys)

Genes: GBA1 (glucosylceramidase beta 1; minus strand), LOC106627981 (GBA recombination region; plus strand). Cytogenetic location: 1q22.
Variant type: single nucleotide variant.
Coding change: c.1275C>A on transcript NM_000157.4 (MANE Select); coding-DNA position 1275, C replaced by A.
Protein change: p.Asn425Lys; replaces asparagine 425 with lysine.
Molecular consequence: missense variant.
Genome position (GRCh38, 1-based): chr1:155,235,794, G>T on the plus strand (C>A on the coding strand, the complement: GBA1 is on the minus strand). VCF-style: chr1-155235794-G-T. GRCh37 (hg19) VCF-style: chr1-155205585-G-T.
Other names: c.1275C>A, p.Asn425Lys (NM_001005741.3, NM_001005742.3); c.1014C>A, p.Asn338Lys (NM_001171811.2); c.1128C>A, p.Asn376Lys (NM_001171812.2); short protein forms N338K, N376K, N425K.
Identifiers: ClinVar variation 1331501 (VCV001331501.2), dbSNP rs1026993108, ClinGen allele CA30894515.
Genomic context (GRCh38, chr1:155,235,794, plus strand): 5'-GATGTCTACAATGATGGGACTGTCGACAAAGTTACGCACCCAATTGGGTCCTCCTTCGGG[G>T]TTCAGGGCAAGGTTCCAGTCGGTCCAGCCGACCACATGGTACAGGAGGTTCTAGGGTAAG-3'
Protein context (NP_000148.2, residues 415-435): VGWTDWNLAL[Asn425Lys]PEGGPNWVRN